The following is an entry in ClinVar:

ClinVar aggregate classification (germline): Likely benign (1 of 4 stars; one submission).

Submission:

CeGaT Center for Human Genetics Tuebingen
Classification: Likely benign. Last evaluated: 2025-05-01. Review status: criteria provided, single submitter. Criteria: CeGaT Center For Human Genetics Tuebingen Variant Classification Criteria Version 2. Collection method: clinical testing. Allele origin: germline. Affected: yes. Observed: 1 variant allele.
Comment: CDK19: PM2:Supporting, BP4, BP7

NM_015076.5(CDK19):c.816G>A (p.Lys272=)

Gene: CDK19 (cyclin dependent kinase 19; minus strand). Cytogenetic location: 6q21.
Variant type: single nucleotide variant.
Coding change: c.816G>A on transcript NM_015076.5 (MANE Select); coding-DNA position 816, G replaced by A.
Protein change: p.Lys272=; no amino-acid change (lysine 272 retained).
Molecular consequence: synonymous variant.
Genome position (GRCh38, 1-based): chr6:110,626,820, C>T on the plus strand (G>A on the coding strand, the complement: CDK19 is on the minus strand). VCF-style: chr6-110626820-C-T. GRCh37 (hg19) VCF-style: chr6-110948023-C-T.
Other names: c.684G>A, p.Lys228= (NM_001300960.2); c.636G>A, p.Lys212= (NM_001300963.2, NM_001300964.2).
Identifiers: ClinVar variation 3905858 (VCV003905858.10).